The following is an entry in ClinVar:

NM_002691.4(POLD1):c.1791del (p.Ile598fs)

Gene: POLD1 (DNA polymerase delta 1, catalytic subunit; plus strand). Cytogenetic location: 19q13.33.
Variant type: Deletion.
Coding change: c.1791del on transcript NM_002691.4 (MANE Select); coding-DNA position 1791, one base deleted (C; older notation c.1791delC).
Protein change: p.Ile598fs; shifts the reading frame from isoleucine 598.
Molecular consequence: frameshift variant. On other transcripts: non-coding transcript variant (1).
Genome position (GRCh38, 1-based): chr19:50,408,800, C deleted; the last of 4 consecutive C bases (chr19:50,408,797-50,408,800); deleting any one gives the same sequence. VCF-style (leftmost placement, unchanged base first): chr19-50408796-TC-T. GRCh37 (hg19) VCF-style: chr19-50912053-TC-T.
Other names: c.1791del, p.Ile598fs (NM_001256849.1); c.1869del, p.Ile624fs (NM_001308632.1); c.1791delC (NM_002691.4, NM_002691.2); short protein forms I598fs, I624fs.
Identifiers: ClinVar variation 1697802 (VCV001697802.8), dbSNP rs2122366299, ClinGen allele CA2580097663.

ClinVar aggregate classification (germline): Uncertain significance. Review status: criteria provided, multiple submitters, no conflicts (2 of 4 stars). 2 submissions from 2 submitters: Uncertain significance (2). Last evaluated 2025-03-04.

Conditions:
Hereditary cancer-predisposing syndrome. Also called: Hereditary neoplastic syndrome; Tumor predisposition; Neoplastic Syndromes, Hereditary; Hereditary Cancer Syndrome. Identifiers: Orphanet 140162, MedGen C0027672, MeSH D009386, MONDO:0015356.

Submissions (2):

Center for Genomic Medicine, Rigshospitalet, Copenhagen University Hospital
Classification: Uncertain significance. Last evaluated: 2025-03-04. Review status: criteria provided, single submitter. Criteria: ACMG Guidelines, 2015. Collection method: clinical testing. Allele origin: germline.

Ambry Genetics
Classification: Uncertain significance for Hereditary cancer-predisposing syndrome. Last evaluated: 2025-01-21. Review status: criteria provided, single submitter. Criteria: Ambry Variant Classification Scheme 2023. Collection method: clinical testing. Allele origin: germline.
Comment: The c.1791delC variant, located in coding exon 14 of the POLD1 gene, results from a deletion of one nucleotide at nucleotide position 1791, causing a translational frameshift with a predicted alternate stop codon (p.I598Sfs*14). This alteration is expected to result in loss of function by premature protein truncation or nonsense-mediated mRNA decay. However, loss of function of POLD1 has not been established as a mechanism of disease. Based on the available evidence, the clinical significance of this variant remains unclear.

Literature cited by the submitters: PubMed 23263490 (cited by Center for Genomic Medicine, Rigshospitalet, Copenhagen University Hospital); PubMed 32792570 (cited by Center for Genomic Medicine, Rigshospitalet, Copenhagen University Hospital).